The following is an entry in ClinVar:

NM_000264.5(PTCH1):c.874A>G (p.Met292Val)

Gene: PTCH1 (patched 1; minus strand). Cytogenetic location: 9q22.32.
Variant type: single nucleotide variant.
Coding change: c.874A>G on transcript NM_000264.5 (MANE Select); coding-DNA position 874, A replaced by G.
Protein change: p.Met292Val; replaces methionine 292 with valine.
Molecular consequence: missense variant. On other transcripts: non-coding transcript variant (1).
Genome position (GRCh38, 1-based): chr9:95,480,461, T>C on the plus strand (A>G on the coding strand, the complement: PTCH1 is on the minus strand). VCF-style: chr9-95480461-T-C. GRCh37 (hg19) VCF-style: chr9-98242743-T-C.
Other names: c.676A>G, p.Met226Val (NM_001083602.3); c.871A>G, p.Met291Val (NM_001083603.3); c.421A>G, p.Met141Val (NM_001083604.3, NM_001083605.3, NM_001083606.3 and 1 more transcripts); c.874A>G, p.Met292Val (NM_001354918.2); short protein forms M226V, M291V, M141V, M292V.
Identifiers: ClinVar variation 665087 (VCV000665087.18), dbSNP rs1588610088, ClinGen allele CA374113922.

ClinVar aggregate classification (germline): Uncertain significance. Review status: criteria provided, multiple submitters, no conflicts (2 of 4 stars). 3 submissions from 3 submitters: Uncertain significance (3). Last evaluated 2025-12-02.

Conditions:
Hereditary cancer-predisposing syndrome. Also called: Neoplastic Syndromes, Hereditary; Hereditary neoplastic syndrome; Tumor predisposition; Hereditary Cancer Syndrome. Identifiers: Orphanet 140162, MedGen C0027672, MeSH D009386, MONDO:0015356.
Gorlin syndrome. Also called: Nevoid Basal Cell Carcinoma Syndrome; Basal cell nevus syndrome. Identifiers: Orphanet 377, MedGen C0004779, MONDO:0007187.

Allele frequency attached by ClinVar (database versions not stated): gnomAD exomes below 0.00001.
gnomAD v4.1: 4 of 1,612,280 alleles (0.00025%); highest among the groups gnomAD compares: South Asian, 0.0011%; no homozygotes.

Submissions (3):

Labcorp Genetics (formerly Invitae), Labcorp
Classification: Uncertain significance for Gorlin syndrome. Last evaluated: 2025-12-02. Review status: criteria provided, single submitter. Criteria: Invitae Variant Classification Sherloc (09022015). Collection method: clinical testing. Allele origin: germline.
Comment: This sequence change replaces methionine, which is neutral and non-polar, with valine, which is neutral and non-polar, at codon 292 of the PTCH1 protein (p.Met292Val). This variant is not present in population databases (gnomAD no frequency). This variant has not been reported in the literature in individuals affected with PTCH1-related conditions. ClinVar contains an entry for this variant (Variation ID: 665087). Invitae Evidence Modeling of protein sequence and biophysical properties (such as structural, functional, and spatial information, amino acid conservation, physicochemical variation, residue mobility, and thermodynamic stability) indicates that this missense variant is not expected to disrupt PTCH1 protein function with a negative predictive value of 95%. In summary, the available evidence is currently insufficient to determine the role of this variant in disease. Therefore, it has been classified as a Variant of Uncertain Significance.

Ambry Genetics
Classification: Uncertain significance for Hereditary cancer-predisposing syndrome. Last evaluated: 2024-12-23. Review status: criteria provided, single submitter. Criteria: Ambry Variant Classification Scheme 2023. Collection method: clinical testing. Allele origin: germline.
Comment: The p.M292V variant (also known as c.874A>G), located in coding exon 6 of the PTCH1 gene, results from an A to G substitution at nucleotide position 874. The methionine at codon 292 is replaced by valine, an amino acid with highly similar properties. This amino acid position is highly conserved in available vertebrate species. In addition, the in silico prediction for this alteration is inconclusive. Since supporting evidence is limited at this time, the clinical significance of this alteration remains unclear.

GeneDx
Classification: Uncertain significance. Last evaluated: 2020-04-14. Review status: criteria provided, single submitter. Criteria: GeneDx Variant Classification Process June 2021. Collection method: clinical testing. Allele origin: germline. Affected: yes.
Comment: Not observed in large population cohorts (Lek et al., 2016); In silico analysis, which includes protein predictors and evolutionary conservation, supports a deleterious effect; Missense variant in a gene in which most reported pathogenic variants are truncating/loss-of-function; Has not been previously published as pathogenic or benign to our knowledge